The following is an entry in ClinVar:

ClinVar aggregate classification (germline): Likely benign. Review status: criteria provided, multiple submitters, no conflicts (2 of 4 stars). 3 submissions from 3 submitters: Likely benign (2). 1 of the submissions does not count toward it. Last evaluated 2026-02-24.

Conditions:
Hepatoencephalopathy due to combined oxidative phosphorylation defect type 1. Also called: HEPATOENCEPHALOPATHY, EARLY FATAL PROGRESSIVE. Identifiers: Orphanet 137681, MedGen C1836797, MONDO:0012191, OMIM 609060.
GFM1-related disorder. Also called: GFM1-related condition.

Allele frequency attached by ClinVar (database versions not stated): gnomAD exomes below 0.00001 and 0.00001; TOPMed 0.00001.
gnomAD v4.1: 3 of 1,613,476 alleles (0.00019%); highest among the groups gnomAD compares: Non-Finnish European, 0.00025%; no homozygotes.

Submissions (3):

PreventionGenetics, part of Exact Sciences
Classification: Likely benign for GFM1-related condition. Last evaluated: 2026-02-24. Review status: criteria provided, single submitter. Criteria: ACMG Guidelines, 2015. Collection method: clinical testing. Allele origin: germline.
Comment: This variant is classified as likely benign based on ACMG/AMP sequence variant interpretation guidelines (Richards et al. 2015 PMID: 25741868, with internal and published modifications).

Labcorp Genetics (formerly Invitae), Labcorp
Classification: Likely benign. Last evaluated: 2024-02-01. Review status: criteria provided, single submitter. Criteria: Invitae Variant Classification Sherloc (09022015). Collection method: clinical testing. Allele origin: germline.

Natera, Inc.
Classification: Likely benign for Combined oxidative phosphorylation deficiency 1. Last evaluated: 2020-01-01. Review status: no assertion criteria provided. Collection method: clinical testing. Allele origin: germline. Not counted in ClinVar's aggregate classification.

NM_024996.7(GFM1):c.1308C>T (p.Asn436=)

Gene: GFM1 (G elongation factor mitochondrial 1; plus strand). Cytogenetic location: 3q25.32.
Variant type: single nucleotide variant.
Coding change: c.1308C>T on transcript NM_024996.7 (MANE Select); coding-DNA position 1308, C replaced by T.
Protein change: p.Asn436=; no amino-acid change (asparagine 436 retained).
Molecular consequence: synonymous variant. On other transcripts: non-coding transcript variant (4).
Genome position (GRCh38, 1-based): chr3:158,660,960, C>T. VCF-style: chr3-158660960-C-T. GRCh37 (hg19) VCF-style: chr3-158378749-C-T.
Other names: c.1365C>T, p.Asn455= (NM_001308164.2); c.1308C>T, p.Asn436= (NM_001308166.2); c.1227C>T, p.Asn409= (NM_001374355.1); c.1191C>T, p.Asn397= (NM_001374356.1); c.1083C>T, p.Asn361= (NM_001374357.1); c.849C>T, p.Asn283= (NM_001374358.1); c.741C>T, p.Asn247= (NM_001374359.1, NM_001374360.1); c.624C>T, p.Asn208= (NM_001374361.1); and 1 more.
Identifiers: ClinVar variation 741013 (VCV000741013.10), dbSNP rs1187874654, ClinGen allele CA436484502.